The following is an entry in ClinVar:

NC_012920.1(MT-RNR1):m.979C>T

Gene: MT-RNR1 (mitochondrially encoded 12S RNA; plus strand).
Variant type: single nucleotide variant.
Genome position: chrM-979-C-T.
Identifiers: ClinVar variation 227551 (VCV000227551.4), dbSNP rs876657507, ClinGen allele CA10577186.
Genomic context (GRCh38, chrMT:979, plus strand): 5'-AGTCAATAGAAGCCGGCGTAAAGAGTGTTTTAGATCACCCCCTCCCCAATAAAGCTAAAA[C>T]TCACCTGAGTTGTAAAAAACTCCAGTTGACACAAAATAGACTACGAAAGTGGCTTTAACA-3'

ClinVar aggregate classification (germline): Likely benign (1 of 4 stars; one submission).

Submission:

Laboratory for Molecular Medicine, Mass General Brigham Personalized Medicine
Classification: Likely benign. Last evaluated: 2015-01-14. Review status: criteria provided, single submitter. Criteria: LMM Criteria. Collection method: clinical testing. Allele origin: germline. Observed: 1 variant allele.
Comment: m.979C>T in MTRNR1: This variant is not expected to have clinical significance b ecause it has not been reported in individuals with hearing loss and has been fo und in the general population at a frequency of 0.04% (11/26851) human mitochond rial DNA sequences with an average haplogroup-specific frequency in European pop ulations of 0.5%.

Literature cited by the submitters: PubMed 22482806.